The following is an entry in ClinVar:

ClinVar aggregate classification (germline): Uncertain significance (1 of 4 stars; one submission).

Conditions:
Combined immunodeficiency due to MALT1 deficiency. Also called: Immunodeficiency 12. Identifiers: Orphanet 397964, MedGen C3809583, MONDO:0014197, OMIM 615468.

Submission:

Labcorp Genetics (formerly Invitae), Labcorp
Classification: Uncertain significance for Combined immunodeficiency due to MALT1 deficiency. Last evaluated: 2022-07-08. Review status: criteria provided, single submitter. Criteria: Invitae Variant Classification Sherloc (09022015). Collection method: clinical testing. Allele origin: germline.
Comment: In summary, the available evidence is currently insufficient to determine the role of this variant in disease. Therefore, it has been classified as a Variant of Uncertain Significance. Algorithms developed to predict the effect of missense changes on protein structure and function are either unavailable or do not agree on the potential impact of this missense change (SIFT: "Tolerated"; PolyPhen-2: "Possibly Damaging"; Align-GVGD: "Class C0"). This variant has not been reported in the literature in individuals affected with MALT1-related conditions. This variant is not present in population databases (gnomAD no frequency). This sequence change replaces phenylalanine, which is neutral and non-polar, with isoleucine, which is neutral and non-polar, at codon 420 of the MALT1 protein (p.Phe420Ile).

NM_006785.4(MALT1):c.1258T>A (p.Phe420Ile)

Gene: MALT1 (MALT1 paracaspase; plus strand). Cytogenetic location: 18q21.32.
Variant type: single nucleotide variant.
Coding change: c.1258T>A on transcript NM_006785.4 (MANE Select); coding-DNA position 1258, T replaced by A.
Protein change: p.Phe420Ile; replaces phenylalanine 420 with isoleucine.
Molecular consequence: missense variant.
Genome position (GRCh38, 1-based): chr18:58,733,432, T>A. VCF-style: chr18-58733432-T-A. GRCh37 (hg19) VCF-style: chr18-56400664-T-A.
Other names: c.1225T>A, p.Phe409Ile (NM_173844.3); short protein forms F409I, F420I.
Identifiers: ClinVar variation 2015027 (VCV002015027.4), dbSNP rs2511552958, ClinGen allele CA402574526.